The following is an entry in ClinVar:

NM_000179.3(MSH6):c.1108T>G (p.Leu370Val)

Gene: MSH6 (mutS homolog 6; plus strand). Cytogenetic location: 2p16.3.
Variant type: single nucleotide variant.
Coding change: c.1108T>G on transcript NM_000179.3 (MANE Select); coding-DNA position 1108, T replaced by G.
Protein change: p.Leu370Val; replaces leucine 370 with valine.
Molecular consequence: missense variant.
Genome position (GRCh38, 1-based): chr2:47,799,091, T>G. VCF-style: chr2-47799091-T-G. GRCh37 (hg19) VCF-style: chr2-48026230-T-G.
Other names: c.718T>G, p.Leu240Val (NM_001281492.2); c.202T>G, p.Leu68Val (NM_001281493.2, NM_001281494.2, NM_001406811.1 and 6 more transcripts); c.1204T>G, p.Leu402Val (NM_001406795.1, NM_001406802.1); c.1108T>G, p.Leu370Val (NM_001406796.1, NM_001406798.1, NM_001406800.1 and 4 more transcripts); c.811T>G, p.Leu271Val (NM_001406797.1, NM_001406801.1, NM_001406805.1 and 10 more transcripts); c.583T>G, p.Leu195Val (NM_001406799.1, NM_001406806.1, NM_001406807.1); c.1030T>G, p.Leu344Val (NM_001406804.1); c.1114T>G, p.Leu372Val (NM_001406813.1); and 1 more; short protein forms L372V, L314V, L195V, L271V, L344V, L240V, L370V, L402V.
Identifiers: ClinVar variation 1794409 (VCV001794409.7), dbSNP rs2104320203, ClinGen allele CA346741950.

ClinVar aggregate classification (germline): Uncertain significance. Review status: criteria provided, multiple submitters, no conflicts (2 of 4 stars). 2 submissions from 2 submitters: Uncertain significance (2). Last evaluated 2022-04-29.

Conditions:
Hereditary cancer-predisposing syndrome. Also called: Tumor predisposition; Hereditary Cancer Syndrome; Neoplastic Syndromes, Hereditary; Hereditary neoplastic syndrome. Identifiers: Orphanet 140162, MedGen C0027672, MeSH D009386, MONDO:0015356.
Hereditary nonpolyposis colorectal neoplasms. Identifiers: MedGen C0009405, MeSH D003123.

gnomAD v4.1: 1 of 1,614,062 alleles (0.000062%); highest among the groups gnomAD compares: Non-Finnish European, 0.000085%; no homozygotes.

Submissions (2):

Labcorp Genetics (formerly Invitae), Labcorp
Classification: Uncertain significance for Hereditary nonpolyposis colorectal neoplasms. Last evaluated: 2022-04-29. Review status: criteria provided, single submitter. Criteria: Invitae Variant Classification Sherloc (09022015). Collection method: clinical testing. Allele origin: germline.
Comment: In summary, the available evidence is currently insufficient to determine the role of this variant in disease. Therefore, it has been classified as a Variant of Uncertain Significance. This variant disrupts the p.Leu370 amino acid residue in MSH6. Other variant(s) that disrupt this residue have been determined to be pathogenic (PMID: 24244552, 24933100, 27978560; Invitae). This suggests that this residue is clinically significant, and that variants that disrupt this residue are likely to be disease-causing. Advanced modeling of protein sequence and biophysical properties (such as structural, functional, and spatial information, amino acid conservation, physicochemical variation, residue mobility, and thermodynamic stability) performed at Invitae indicates that this missense variant is expected to disrupt MSH6 protein function. This variant has not been reported in the literature in individuals affected with MSH6-related conditions. This variant is not present in population databases (gnomAD no frequency). This sequence change replaces leucine, which is neutral and non-polar, with valine, which is neutral and non-polar, at codon 370 of the MSH6 protein (p.Leu370Val).

Ambry Genetics
Classification: Uncertain significance for Hereditary cancer-predisposing syndrome. Last evaluated: 2019-10-08. Review status: criteria provided, single submitter. Criteria: Ambry Variant Classification Scheme 2023. Collection method: clinical testing. Allele origin: germline.
Comment: The p.L370V variant (also known as c.1108T>G), located in coding exon 4 of the MSH6 gene, results from a T to G substitution at nucleotide position 1108. The leucine at codon 370 is replaced by valine, an amino acid with highly similar properties. This amino acid position is well conserved in available vertebrate species. In addition, the in silico prediction for this alteration is inconclusive. Since supporting evidence is limited at this time, the clinical significance of this alteration remains unclear.

Literature cited by the submitters: PubMed 24244552 (cited by Labcorp Genetics (formerly Invitae), Labcorp); PubMed 24933100 (cited by Labcorp Genetics (formerly Invitae), Labcorp); PubMed 27978560 (cited by Labcorp Genetics (formerly Invitae), Labcorp).